The following is an entry in ClinVar:

NM_006642.5(SDCCAG8):c.199G>T (p.Glu67Ter)

Gene: SDCCAG8 (SHH signaling and ciliogenesis regulator SDCCAG8; plus strand). Cytogenetic location: 1q43.
Variant type: single nucleotide variant.
Coding change: c.199G>T on transcript NM_006642.5 (MANE Select); coding-DNA position 199, G replaced by T.
Protein change: p.Glu67Ter; replaces glutamic acid 67 with a stop codon.
Molecular consequence: nonsense. On other transcripts: 5 prime UTR variant (4).
Genome position (GRCh38, 1-based): chr1:243,270,236, G>T. VCF-style: chr1-243270236-G-T. GRCh37 (hg19) VCF-style: chr1-243433538-G-T.
Other names: c.-914G>T (NM_001350246.2); c.-802G>T (NM_001350247.2); c.199G>T, p.Glu67Ter (NM_001350248.2); c.-96G>T (NM_001350249.2); c.-1175G>T (NM_001350251.2); short protein forms E67*.
Identifiers: ClinVar variation 591885 (VCV000591885.6), dbSNP rs756518004, ClinGen allele CA345474419.
Genomic context (GRCh38, chr1:243,270,236, plus strand): 5'-GCACCAAATCTTTCTTTTAGCACCAGTGTGGGAAATGAGGACGCCAGGACAGCCTGGCCC[G>T]AATTACAACAGAGCCATGCTGGTGAGTGTGAATGTCAATCCTAGTCTGAATGATGCATAG-3'

ClinVar aggregate classification (germline): Pathogenic. Review status: criteria provided, single submitter (1 of 4 stars). 2 submissions from 2 submitters: Pathogenic (1). 1 of the submissions does not count toward it. Last evaluated 2020-12-04.

Conditions:
Senior-Loken syndrome 7 (SLSN7). Identifiers: Orphanet 3156, MedGen C3150877, MONDO:0013326, OMIM 613615.
Bardet-Biedl syndrome 16 (BBS16). Identifiers: Orphanet 110, MedGen C3889474, MONDO:0014444, OMIM 615993.

gnomAD v4.1: 1 of 1,614,074 alleles (0.000062%); highest among the groups gnomAD compares: Non-Finnish European, 0.000085%; no homozygotes.

Submissions (2):

Labcorp Genetics (formerly Invitae), Labcorp
Classification: Pathogenic for Bardet-Biedl syndrome 16; Senior-Loken syndrome 7. Last evaluated: 2020-12-04. Review status: criteria provided, single submitter. Criteria: Invitae Variant Classification Sherloc (09022015). Collection method: clinical testing. Allele origin: germline.
Comment: For these reasons, this variant has been classified as Pathogenic. This variant has not been reported in the literature in individuals with SDCCAG8-related conditions. ClinVar contains an entry for this variant (Variation ID: 591885). This variant is not present in population databases (ExAC no frequency). This sequence change creates a premature translational stop signal (p.Glu67*) in the SDCCAG8 gene. It is expected to result in an absent or disrupted protein product. Loss-of-function variants in SDCCAG8 are known to be pathogenic (PMID: 20835237, 22190896).

Gharavi Laboratory, Columbia University
Classification: Uncertain significance. Last evaluated: 2018-09-16. Review status: no assertion criteria provided. Criteria: ACMG Guidelines, 2015. Collection method: research. Allele origin: germline. Affected: yes. Not counted in ClinVar's aggregate classification.

Literature cited by the submitters: PubMed 20835237 (cited by Labcorp Genetics (formerly Invitae), Labcorp); PubMed 22190896 (cited by Labcorp Genetics (formerly Invitae), Labcorp).